The following is an entry in ClinVar:

ClinVar aggregate classification (germline): Uncertain significance (1 of 4 stars; one submission).

gnomAD v4.1: 4 of 1,612,406 alleles (0.00025%); highest among the groups gnomAD compares: African/African-American, 0.0053%; no homozygotes.

Submission:

Women's Health and Genetics/Laboratory Corporation of America, LabCorp
Classification: Uncertain significance. Last evaluated: 2026-05-13. Review status: criteria provided, single submitter. Criteria: LabCorp Variant Classification Summary - May 2015. Collection method: clinical testing. Allele origin: germline.
Comment: Variant summary: CPA6 c.359G>A (p.Ser120Asn) results in a conservative amino acid change in the encoded protein sequence. Algorithms developed to predict the effect of missense changes on protein structure and function all suggest that this variant is likely to be tolerated. The variant allele was found at a frequency of 4e-06 in 251096 control chromosomes. The available data on variant occurrences in the general population are insufficient to allow any conclusion about variant significance. To our knowledge, no occurrence of c.359G>A in individuals affected with CPA6-related conditions and no experimental evidence demonstrating its impact on protein function have been reported. No submitters have cited clinical-significance assessments for this variant to ClinVar. Based on the evidence outlined above, the variant was classified as uncertain significance.

NM_020361.5(CPA6):c.359G>A (p.Ser120Asn)

Gene: CPA6 (carboxypeptidase A6; minus strand). Cytogenetic location: 8q13.2.
Variant type: single nucleotide variant.
Coding change: c.359G>A on transcript NM_020361.5 (MANE Select); coding-DNA position 359, G replaced by A.
Protein change: p.Ser120Asn; replaces serine 120 with asparagine.
Molecular consequence: missense variant.
Genome position (GRCh38, 1-based): chr8:67,511,614, C>T on the plus strand (G>A on the coding strand, the complement: CPA6 is on the minus strand). VCF-style: chr8-67511614-C-T. GRCh37 (hg19) VCF-style: chr8-68423849-C-T.
Other names: c.359G>A, p.Ser120Asn (NM_001440615.1); short protein forms S120N.
Identifiers: ClinVar variation 4853133 (VCV004853133.1).